The following is an entry in ClinVar:

ClinVar aggregate classification (germline): Uncertain significance. Review status: criteria provided, multiple submitters, no conflicts (2 of 4 stars). 2 submissions from 2 submitters: Uncertain significance (2). Last evaluated 2023-07-10.

Conditions:
Absence seizure. Also called: Absence epilepsy. Identifiers: Orphanet 1941, MedGen C0014553.
Myoclonic epilepsy, juvenile, susceptibility to, 1. Also called: Myoclonic Epilepsy, Juvenile, 1; EJM1. Identifiers: MedGen C1850778, MONDO:0020752, OMIM 254770.

Allele frequency attached by ClinVar (database versions not stated): ExAC 0.00002; gnomAD 0.00002; gnomAD exomes 0.00003; TOPMed 0.00003; ESP Exome Variant Server 0.00008.
gnomAD v4.1: 29 of 1,613,984 alleles (0.0018%); highest among the groups gnomAD compares: South Asian, 0.011%; no homozygotes.

Submissions (2):

Labcorp Genetics (formerly Invitae), Labcorp
Classification: Uncertain significance for Myoclonic epilepsy, juvenile, susceptibility to, 1; Absence seizure. Last evaluated: 2023-07-10. Review status: criteria provided, single submitter. Criteria: Invitae Variant Classification Sherloc (09022015). Collection method: clinical testing. Allele origin: germline.
Comment: In summary, the available evidence is currently insufficient to determine the role of this variant in disease. Therefore, it has been classified as a Variant of Uncertain Significance. An algorithm developed to predict the effect of missense changes on protein structure and function (PolyPhen-2) suggests that this variant is likely to be tolerated. ClinVar contains an entry for this variant (Variation ID: 1041097). This variant has not been reported in the literature in individuals affected with EFHC1-related conditions. This variant is present in population databases (rs373267174, gnomAD 0.02%). This sequence change replaces serine, which is neutral and polar, with leucine, which is neutral and non-polar, at codon 605 of the EFHC1 protein (p.Ser605Leu).

Revvity Omics, Revvity
Classification: Uncertain significance. Last evaluated: 2021-01-21. Review status: criteria provided, single submitter. Criteria: ACMG Guidelines, 2015. Collection method: clinical testing. Allele origin: germline.

NM_018100.4(EFHC1):c.1814C>T (p.Ser605Leu)

Gene: EFHC1 (EF-hand domain containing 1; plus strand). Cytogenetic location: 6p12.2.
Variant type: single nucleotide variant.
Coding change: c.1814C>T on transcript NM_018100.4 (MANE Select); coding-DNA position 1814, C replaced by T.
Protein change: p.Ser605Leu; replaces serine 605 with leucine.
Molecular consequence: missense variant. On other transcripts: non-coding transcript variant (1).
Genome position (GRCh38, 1-based): chr6:52,490,313, C>T. VCF-style: chr6-52490313-C-T. GRCh37 (hg19) VCF-style: chr6-52355111-C-T.
Other names: c.1757C>T, p.Ser586Leu (NM_001172420.2); c.1814C>T (NM_018100.3); short protein forms S586L, S605L.
Identifiers: ClinVar variation 1041097 (VCV001041097.12), dbSNP rs373267174, ClinGen allele CA3856178.